The following is an entry in ClinVar:

NM_001005273.3(CHD3):c.793+6del

Gene: CHD3 (chromodomain helicase DNA binding protein 3; plus strand). Cytogenetic location: 17p13.1.
Variant type: Deletion.
Coding change: c.793+6del on transcript NM_001005273.3 (MANE Select); 6 bases into the intron after coding-DNA position 793, one base deleted (G; older notation c.793+6delG).
Molecular consequence: intron variant.
Genome position (GRCh38, 1-based): chr17:7,893,575, G deleted; the last of 3 consecutive G bases (chr17:7,893,573-7,893,575); deleting any one gives the same sequence. VCF-style (leftmost placement, unchanged base first): chr17-7893572-AG-A. GRCh37 (hg19) VCF-style: chr17-7796890-AG-A.
Other names: c.970+6del (NM_001437504.1, NM_001005271.3, NM_001437509.1 and 2 more transcripts); c.793+6del (NM_005852.4).
Identifiers: ClinVar variation 4868880 (VCV004868880.1).

ClinVar aggregate classification (germline): Uncertain significance (1 of 4 stars; one submission).

Conditions:
Inborn genetic diseases. Identifiers: MedGen C0950123, MeSH D030342.

Submission:

Ambry Genetics
Classification: Uncertain significance for Inborn genetic diseases. Last evaluated: 2026-04-15. Review status: criteria provided, single submitter. Criteria: Ambry Variant Classification Scheme 2023. Collection method: clinical testing. Allele origin: germline.
Comment: The c.970+6delG alteration is located in Intron 5 (E) of the CHD3 gene. This alteration consists of a deletion of 1 nucleotides at nucleotide position c.9706 Intron 5 (E). This variant was not reported in population-based cohorts in the Genome Aggregation Database (gnomAD). Based on insufficient or conflicting evidence, the clinical significance of this alteration remains unclear.